The following is an entry in ClinVar:

ClinVar aggregate classification (germline): Likely pathogenic. Review status: criteria provided, multiple submitters, no conflicts (2 of 4 stars). 2 submissions from 2 submitters: Likely pathogenic (2). Last evaluated 2024-06-09.

Conditions:
Autosomal recessive congenital ichthyosis 4B (ARCI4B). Also called: Harlequin Fetus; Ichthyosis, congenital, autosomal recessive 4B (harlequin); HARLEQUIN ICHTHYOSIS; ICHTHYOSIS CONGENITA, HARLEQUIN FETUS TYPE. Identifiers: Orphanet 457, MedGen C0598226, MONDO:0009443, OMIM 242500.
Autosomal recessive congenital ichthyosis 4A (LI2). Also called: ICHTHYOSIS CONGENITA IIB. Identifiers: Orphanet 313, MedGen C1832550, MONDO:0011026, OMIM 601277.

gnomAD v4.1: 2 of 1,612,736 alleles (0.00012%); highest among the groups gnomAD compares: Non-Finnish European, 0.00017%; no homozygotes.

Submissions (2):

Fulgent Genetics
Classification: Likely pathogenic for Autosomal recessive congenital ichthyosis 4B; Autosomal recessive congenital ichthyosis 4A. Last evaluated: 2024-06-09. Review status: criteria provided, single submitter. Criteria: ACMG Guidelines, 2015. Collection method: clinical testing. Allele origin: germline.

Labcorp Genetics (formerly Invitae), Labcorp
Classification: Likely pathogenic. Last evaluated: 2023-11-20. Review status: criteria provided, single submitter. Criteria: Invitae Variant Classification Sherloc (09022015). Collection method: clinical testing. Allele origin: germline.
Comment: This sequence change affects a donor splice site in intron 8 of the ABCA12 gene. It is expected to disrupt RNA splicing. Variants that disrupt the donor or acceptor splice site typically lead to a loss of protein function (PMID: 16199547), and loss-of-function variants in ABCA12 are known to be pathogenic (PMID: 20672373). This variant is not present in population databases (gnomAD no frequency). This variant has not been reported in the literature in individuals affected with ABCA12-related conditions. Algorithms developed to predict the effect of sequence changes on RNA splicing suggest that this variant may disrupt the consensus splice site. In summary, the currently available evidence indicates that the variant is pathogenic, but additional data are needed to prove that conclusively. Therefore, this variant has been classified as Likely Pathogenic.

Literature cited by the submitters: PubMed 16199547 (cited by Labcorp Genetics (formerly Invitae), Labcorp); PubMed 20672373 (cited by Labcorp Genetics (formerly Invitae), Labcorp).

NM_173076.3(ABCA12):c.985+1G>A

Gene: ABCA12 (ATP binding cassette subfamily A member 12; minus strand). Cytogenetic location: 2q35.
Variant type: single nucleotide variant.
Coding change: c.985+1G>A on transcript NM_173076.3 (MANE Select); the canonical splice donor site of the intron after coding-DNA position 985, G replaced by A.
Molecular consequence: splice donor variant.
Genome position (GRCh38, 1-based): chr2:215,036,952, C>T on the plus strand (G>A on the coding strand, the complement: ABCA12 is on the minus strand). VCF-style: chr2-215036952-C-T. GRCh37 (hg19) VCF-style: chr2-215901676-C-T.
Identifiers: ClinVar variation 2828712 (VCV002828712.4), dbSNP rs2469385599, ClinGen allele CA350451553.